The following is an entry in ClinVar:

ClinVar aggregate classification (germline): Pathogenic (1 of 4 stars; one submission).

Submission:

Labcorp Genetics (formerly Invitae), Labcorp
Classification: Pathogenic. Last evaluated: 2023-09-22. Review status: criteria provided, single submitter. Criteria: Invitae Variant Classification Sherloc (09022015). Collection method: clinical testing. Allele origin: germline.
Comment: This variant is not present in population databases (gnomAD no frequency). This sequence change creates a premature translational stop signal (p.Gln336Argfs*9) in the POLH gene. It is expected to result in an absent or disrupted protein product. Loss-of-function variants in POLH are known to be pathogenic (PMID: 11773631, 24130121, 25256075). This variant has not been reported in the literature in individuals affected with POLH-related conditions. For these reasons, this variant has been classified as Pathogenic.

Literature cited by the submitters: PubMed 11773631; PubMed 24130121; PubMed 25256075.

NM_006502.3(POLH):c.1007del (p.Gln336fs)

Gene: POLH (DNA polymerase eta; plus strand). Cytogenetic location: 6p21.1.
Variant type: Deletion.
Coding change: c.1007del on transcript NM_006502.3 (MANE Select); coding-DNA position 1007, one base deleted (A; older notation c.1007delA).
Protein change: p.Gln336fs; shifts the reading frame from glutamine 336.
Molecular consequence: frameshift variant.
Genome position (GRCh38, 1-based): chr6:43,604,737, A deleted. VCF-style (leftmost placement, unchanged base first): chr6-43604736-CA-C. GRCh37 (hg19) VCF-style: chr6-43572473-CA-C.
Other names: c.635del, p.Gln212fs (NM_001291969.2); c.1007del, p.Gln336fs (NM_001291970.2); short protein forms Q336fs, Q212fs.
Identifiers: ClinVar variation 2762706 (VCV002762706.3), dbSNP rs2532470049, ClinGen allele CA2697553442.
Genomic context (GRCh38, chr6:43,604,736, plus strand): 5'-CCCAAAACCATTGGCTGTAGTAAGAACTTCCCAGGAAAAACAGCTCTTGCTACTCGGGAA[CA>C]GGTAAGCTGGCATTCTTGACAGAACACTACCTCTTTTAAAGGGGTCAGTGGGTAGGTTTT-3'